The following is an entry in ClinVar:

ClinVar aggregate classification (germline): Uncertain significance (1 of 4 stars; one submission).

Conditions:
Inborn genetic diseases. Identifiers: MedGen C0950123, MeSH D030342.

Submission:

Ambry Genetics
Classification: Uncertain significance for Inborn genetic diseases. Last evaluated: 2025-12-01. Review status: criteria provided, single submitter. Criteria: Ambry Variant Classification Scheme 2023. Collection method: clinical testing. Allele origin: germline.
Comment: The p.C775Y variant (also known as c.2324G>A), located in coding exon 14 of the FANCM gene, results from a G to A substitution at nucleotide position 2324. The cysteine at codon 775 is replaced by tyrosine, an amino acid with highly dissimilar properties. This amino acid position is conserved. In addition, the in silico prediction for this alteration is inconclusive. Based on the available evidence, the clinical significance of this variant remains unclear.

NM_020937.4(FANCM):c.2324G>A (p.Cys775Tyr)

Gene: FANCM (FA complementation group M; plus strand). Cytogenetic location: 14q21.2.
Variant type: single nucleotide variant.
Coding change: c.2324G>A on transcript NM_020937.4 (MANE Select); coding-DNA position 2324, G replaced by A.
Protein change: p.Cys775Tyr; replaces cysteine 775 with tyrosine.
Molecular consequence: missense variant.
Genome position (GRCh38, 1-based): chr14:45,175,078, G>A. VCF-style: chr14-45175078-G-A. GRCh37 (hg19) VCF-style: chr14-45644281-G-A.
Other names: c.2246G>A, p.Cys749Tyr (NM_001308133.2); short protein forms C775Y, C749Y.
Identifiers: ClinVar variation 4619625 (VCV004619625.1).